The following is an entry in ClinVar:

ClinVar aggregate classification (germline): Uncertain significance. Review status: criteria provided, multiple submitters, no conflicts (2 of 4 stars). 2 submissions from 2 submitters: Uncertain significance (2). Last evaluated 2022-06-20.

gnomAD v4.1: 2 of 1,612,338 alleles (0.00012%); highest among the groups gnomAD compares: Non-Finnish European, 0.00017%; no homozygotes.

Submissions (2):

GeneDx
Classification: Uncertain significance. Last evaluated: 2022-06-20. Review status: criteria provided, single submitter. Criteria: GeneDx Variant Classification Process June 2021. Collection method: clinical testing. Allele origin: germline. Affected: yes.
Comment: Not observed at significant frequency in large population cohorts (gnomAD); In silico analysis supports that this missense variant has a deleterious effect on protein structure/function; Has not been previously published as pathogenic or benign to our knowledge

Blueprint Genetics
Classification: Uncertain significance. Last evaluated: 2019-10-03. Review status: criteria provided, single submitter. Criteria: ACMG Guidelines, 2015. Collection method: clinical testing. Allele origin: germline.

NM_138615.3(DHX30):c.1756C>G (p.Arg586Gly)

Gene: DHX30 (DExH-box helicase 30; plus strand). Cytogenetic location: 3p21.31.
Variant type: single nucleotide variant.
Coding change: c.1756C>G on transcript NM_138615.3 (MANE Select); coding-DNA position 1756, C replaced by G.
Protein change: p.Arg586Gly; replaces arginine 586 with glycine.
Molecular consequence: missense variant.
Genome position (GRCh38, 1-based): chr3:47,846,828, C>G. VCF-style: chr3-47846828-C-G. GRCh37 (hg19) VCF-style: chr3-47888318-C-G.
Other names: c.1672C>G, p.Arg558Gly (NM_001330990.2); c.1639C>G, p.Arg547Gly (NM_014966.4); short protein forms R547G, R558G, R586G.
Identifiers: ClinVar variation 1806822 (VCV001806822.2), dbSNP rs1309241437, ClinGen allele CA352587519.
Genomic context (GRCh38, chr3:47,846,828, plus strand): 5'-GTGAACACAGACTTTCTGCTGATCCTGCTCAAGGGCCTGCAGCGGCTCAACCCGGCCCTG[C>G]GGCTGGTGCTCATGAGTGCCACAGGGGACAATGAGCGCTTCTCCCGATACTTTGGTGGCT-3'
Protein context (NP_619520.1, residues 576-596): KGLQRLNPAL[Arg586Gly]LVLMSATGDN